The following is an entry in ClinVar:

NM_000284.4(PDHA1):c.2T>C (p.Met1Thr)

Gene: PDHA1 (pyruvate dehydrogenase E1 subunit alpha 1; plus strand). Cytogenetic location: Xp22.12.
Variant type: single nucleotide variant.
Coding change: c.2T>C on transcript NM_000284.4 (MANE Select); coding-DNA position 2, T replaced by C.
Protein change: p.Met1Thr; changes the start codon (methionine 1).
Molecular consequence: missense variant, initiator codon variant.
Genome position (GRCh38, 1-based): chrX:19,344,039, T>C. VCF-style: chrX-19344039-T-C. GRCh37 (hg19) VCF-style: chrX-19362157-T-C.
Other names: c.2T>C, p.Met1Thr (NM_001173454.2, NM_001173455.2, NM_001173456.2); short protein forms M1T.
Identifiers: ClinVar variation 5019838 (VCV005019838.2).

ClinVar aggregate classification (germline): Uncertain significance (1 of 4 stars; one submission).

Conditions:
Pyruvate dehydrogenase E1-alpha deficiency (PDHAD). Also called: Ataxia, intermittent, with pyruvate dehydrogenase, or decarboxylase, deficiency; ATAXIA, INTERMITTENT, WITH PYRUVATE DEHYDROGENASE DEFICIENCY; ATAXIA WITH LACTIC ACIDOSIS I; ATAXIA, INTERMITTENT, WITH ABNORMAL PYRUVATE METABOLISM. Identifiers: Orphanet 79243, MedGen C1839413, MONDO:0010717, OMIM 312170.

Submission:

Juno Genomics, Hangzhou Juno Genomics, Inc
Classification: Uncertain significance for Pyruvate dehydrogenase E1-alpha deficiency. Review status: criteria provided, single submitter. Criteria: ACMG Guidelines, 2015. Collection method: clinical testing. Allele origin: germline.
Comment: Absent from controls (or at extremely low frequency if recessive) in Genome Aggregation Database.;Null variant in a gene where loss of function (LOF) is a known mechanism of disease.